The following is an entry in ClinVar:

NM_000531.6(OTC):c.912G>T (p.Leu304Phe)

Gene: OTC (ornithine transcarbamylase; plus strand). Cytogenetic location: Xp11.4.
Variant type: single nucleotide variant.
Coding change: c.912G>T on transcript NM_000531.6 (MANE Select); coding-DNA position 912, G replaced by T.
Protein change: p.Leu304Phe; replaces leucine 304 with phenylalanine.
Molecular consequence: missense variant.
Genome position (GRCh38, 1-based): chrX:38,411,906, G>T. VCF-style: chrX-38411906-G-T. GRCh37 (hg19) VCF-style: chrX-38271159-G-T.
Other names: L272F; short protein forms L304F.
Identifiers: ClinVar variation 11008 (VCV000011008.10), dbSNP rs72558465, ClinGen allele CA224834.

ClinVar aggregate classification (germline): Pathogenic. Review status: criteria provided, multiple submitters, no conflicts (2 of 4 stars). 4 submissions from 4 submitters: Pathogenic (2). 2 of the submissions do not count toward it. Last evaluated 2025-09-24.

Conditions:
Ornithine carbamoyltransferase deficiency (OTCD). Also called: ORNITHINE TRANSCARBAMYLASE DEFICIENCY, HYPERAMMONEMIA DUE TO; OTC DEFICIENCY; ORNITHINE TRANSCARBAMYLASE DEFICIENCY; Ornithine Carbamoyltransferase Deficiency Disease. Identifiers: Orphanet 664, MedGen C0268542, MONDO:0010703, OMIM 311250.

Submissions (4):

Genesolutions, Medical Genetics Institutes, Ho Chi Minh City, Vietnam
Classification: Pathogenic for Ornithine carbamoyltransferase deficiency. Last evaluated: 2025-09-24. Review status: criteria provided, single submitter. Criteria: ACMG Guidelines, 2015. Collection method: clinical testing. Allele origin: germline. Affected: yes.

Labcorp Genetics (formerly Invitae), Labcorp
Classification: Pathogenic for Ornithine carbamoyltransferase deficiency. Last evaluated: 2023-10-03. Review status: criteria provided, single submitter. Criteria: Invitae Variant Classification Sherloc (09022015). Collection method: clinical testing. Allele origin: germline.
Comment: This sequence change replaces leucine, which is neutral and non-polar, with phenylalanine, which is neutral and non-polar, at codon 304 of the OTC protein (p.Leu304Phe). This variant is not present in population databases (gnomAD no frequency). This missense change has been observed in individual(s) with OTC deficiency (PMID: 1480464, 7474892, 9452049, 34014569). ClinVar contains an entry for this variant (Variation ID: 11008). Advanced modeling of protein sequence and biophysical properties (such as structural, functional, and spatial information, amino acid conservation, physicochemical variation, residue mobility, and thermodynamic stability) performed at Invitae indicates that this missense variant is expected to disrupt OTC protein function. Experimental studies have shown that this missense change affects OTC function (PMID: 7474892, 9056557). Algorithms developed to predict the effect of sequence changes on RNA splicing suggest that this variant may disrupt the consensus splice site. For these reasons, this variant has been classified as Pathogenic.

OMIM
Classification: Pathogenic for ORNITHINE TRANSCARBAMYLASE DEFICIENCY. Last evaluated: 2002-02-01. Review status: no assertion criteria provided. Collection method: literature only. Allele origin: germline. Not counted in ClinVar's aggregate classification.

GenMed Metabolism Lab
Classification: Pathogenic. Review status: no assertion criteria provided. Collection method: not provided. Allele origin: unknown. Not counted in ClinVar's aggregate classification.
Comment: p.Leu304Phe, Late, Ornithine binding site
ClinVar note: Converted during submission from pathogenic to Pathogenic.

Literature cited by the submitters: PubMed 1480464 (cited by Labcorp Genetics (formerly Invitae), Labcorp); PubMed 7474892 (cited by Labcorp Genetics (formerly Invitae), Labcorp); PubMed 9452049 (cited by Labcorp Genetics (formerly Invitae), Labcorp); PubMed 34014569 (cited by Labcorp Genetics (formerly Invitae), Labcorp); PubMed 9056557 (cited by Labcorp Genetics (formerly Invitae), Labcorp); PubMed 11793468 (cited by OMIM).